The following is an entry in ClinVar:

ClinVar aggregate classification (germline): Uncertain significance (1 of 4 stars; one submission).

Conditions:
Inborn genetic diseases. Identifiers: MedGen C0950123, MeSH D030342.

Submission:

Ambry Genetics
Classification: Uncertain significance for Inborn genetic diseases. Last evaluated: 2022-01-03. Review status: criteria provided, single submitter. Criteria: Ambry Variant Classification Scheme 2023. Collection method: clinical testing. Allele origin: germline.
Comment: The c.919G>A (p.G307R) alteration is located in exon 10 (coding exon 10) of the ACTL6A gene. This alteration results from a G to A substitution at nucleotide position 919, causing the glycine (G) at amino acid position 307 to be replaced by an arginine (R). This variant was not reported in population-based cohorts in the Genome Aggregation Database (gnomAD). This amino acid position is highly conserved in available vertebrate species. This alteration is predicted to be deleterious by in silico analysis. Based on insufficient or conflicting evidence, the clinical significance of this alteration remains unclear.

NM_004301.5(ACTL6A):c.919G>A (p.Gly307Arg)

Gene: ACTL6A (actin like 6A; plus strand). Cytogenetic location: 3q26.33.
Variant type: single nucleotide variant.
Coding change: c.919G>A on transcript NM_004301.5 (MANE Select); coding-DNA position 919, G replaced by A.
Protein change: p.Gly307Arg; replaces glycine 307 with arginine.
Molecular consequence: missense variant.
Genome position (GRCh38, 1-based): chr3:179,580,982, G>A. VCF-style: chr3-179580982-G-A. GRCh37 (hg19) VCF-style: chr3-179298770-G-A.
Other names: c.793G>A, p.Gly265Arg (NM_177989.4, NM_178042.4); short protein forms G265R, G307R.
Identifiers: ClinVar variation 2204079 (VCV002204079.2), dbSNP rs2474135939, ClinGen allele CA355274604.